The following is an entry in ClinVar:

ClinVar aggregate classification (germline): Uncertain significance (1 of 4 stars; one submission).

Conditions:
Martsolf syndrome (MARTS). Also called: Congenital cataract with intellectual disability and hypogonadotropic hypogonadism syndrome. Identifiers: Orphanet 1387, MedGen C0796037, MONDO:0023910.
Warburg micro syndrome 2 (WARBM2). Also called: MICRO SYNDROME 2. Identifiers: Orphanet 2510, MedGen C3280214, MONDO:0013641, OMIM 614225.

Submission:

Labcorp Genetics (formerly Invitae), Labcorp
Classification: Uncertain significance for Martsolf syndrome; Warburg micro syndrome 2. Last evaluated: 2022-05-11. Review status: criteria provided, single submitter. Criteria: Invitae Variant Classification Sherloc (09022015). Collection method: clinical testing. Allele origin: germline.
Comment: This sequence change replaces proline, which is neutral and non-polar, with arginine, which is basic and polar, at codon 993 of the RAB3GAP2 protein (p.Pro993Arg). This variant is not present in population databases (gnomAD no frequency). This variant has not been reported in the literature in individuals affected with RAB3GAP2-related conditions. Algorithms developed to predict the effect of missense changes on protein structure and function (SIFT, PolyPhen-2, Align-GVGD) all suggest that this variant is likely to be tolerated. In summary, the available evidence is currently insufficient to determine the role of this variant in disease. Therefore, it has been classified as a Variant of Uncertain Significance.

NM_012414.4(RAB3GAP2):c.2978C>G (p.Pro993Arg)

Gene: RAB3GAP2 (RAB3 GTPase activating non-catalytic protein subunit 2; minus strand). Cytogenetic location: 1q41.
Variant type: single nucleotide variant.
Coding change: c.2978C>G on transcript NM_012414.4 (MANE Select); coding-DNA position 2978, C replaced by G.
Protein change: p.Pro993Arg; replaces proline 993 with arginine.
Molecular consequence: missense variant.
Genome position (GRCh38, 1-based): chr1:220,167,504, G>C on the plus strand (C>G on the coding strand, the complement: RAB3GAP2 is on the minus strand). VCF-style: chr1-220167504-G-C. GRCh37 (hg19) VCF-style: chr1-220340846-G-C.
Other names: short protein forms P993R.
Identifiers: ClinVar variation 2163776 (VCV002163776.4), dbSNP rs2528634872, ClinGen allele CA344635687.
Genomic context (GRCh38, chr1:220,167,504, plus strand): 5'-AACACTTGGCCACATCTTTCCAATTTGGATTTCATATTTCTCATTATTTGTGTATCACCT[G>C]GTATGGCTCCTAAGTCCATCTCCATCTCTGATACCTCAAGGAAACTTCTGTTAACACCTT-3'
Protein context (NP_036546.2, residues 983-1003): SEMEMDLGAI[Pro993Arg]DLLHLAYEQF